The following is an entry in ClinVar:

NM_016938.5(EFEMP2):c.728-3C>T

Gene: EFEMP2 (EGF-like fibulin extracellular matrix protein 2; minus strand). Cytogenetic location: 11q13.1.
Variant type: single nucleotide variant.
Coding change: c.728-3C>T on transcript NM_016938.5 (MANE Select); 3 bases into the intron before coding-DNA position 728, C replaced by T.
Molecular consequence: intron variant.
Genome position (GRCh38, 1-based): chr11:65,868,632, G>A on the plus strand (C>T on the coding strand, the complement: EFEMP2 is on the minus strand). VCF-style: chr11-65868632-G-A. GRCh37 (hg19) VCF-style: chr11-65636103-G-A.
Other names: p.?.
Identifiers: ClinVar variation 507578 (VCV000507578.29), dbSNP rs377139656, ClinGen allele CA6110535.

ClinVar aggregate classification (germline): Conflicting classifications of pathogenicity. Review status: criteria provided, conflicting classifications (1 of 4 stars). 9 submissions from 9 submitters: Uncertain significance (5); Likely benign (3). 1 of the submissions does not count toward it. Last evaluated 2025-09-29.

Conditions:
Cutis laxa, autosomal recessive, type 1B (ARCL1B). Also called: CUTIS LAXA, AUTOSOMAL RECESSIVE, TYPE IB; EFEMP2-Related Cutis Laxa. Identifiers: Orphanet 90349, MedGen C3280798, MONDO:0013754, OMIM 614437. Disease mechanism: loss of function.
EFEMP2-related disorder. Also called: EFEMP2-related condition.
Cardiovascular phenotype. Identifiers: MedGen CN230736.

Allele frequency attached by ClinVar (database versions not stated): ExAC 0.00014; gnomAD exomes 0.00022 and 0.00085; ESP Exome Variant Server 0.00031; TOPMed 0.00036; gnomAD 0.00038 and 0.00041.

Submissions (10):

Ambry Genetics
Classification: Uncertain significance for Cardiovascular phenotype. Last evaluated: 2025-09-29. Review status: criteria provided, single submitter. Criteria: Ambry Variant Classification Scheme 2023. Collection method: clinical testing. Allele origin: germline.
Comment: The c.728-3C>T intronic variant results from a C to T substitution 3 nucleotides upstream from coding exon 7 in the EFEMP2 gene. This nucleotide position is highly conserved in available vertebrate species. In silico splice site analysis predicts that this alteration will not have any significant effect on splicing. Based on the available evidence, the clinical significance of this variant remains unclear.

Mayo Clinic Laboratories, Mayo Clinic
Classification: Likely benign. Last evaluated: 2025-01-02. Review status: criteria provided, single submitter. Criteria: ACMG Guidelines, 2015. Collection method: clinical testing. Allele origin: germline. Observed: 1 variant allele.
Comment: BS2_supporting, BP4, BP7, PM2_supporting

Women's Health and Genetics/Laboratory Corporation of America, LabCorp
Classification: Uncertain significance. Last evaluated: 2024-12-27. Review status: criteria provided, single submitter. Criteria: LabCorp Variant Classification Summary - May 2015. Collection method: clinical testing. Allele origin: germline.

Blueprint Genetics
Classification: Likely benign. Last evaluated: 2024-11-15. Review status: criteria provided, single submitter. Criteria: ACMG Guidelines, 2015. Collection method: clinical testing. Allele origin: germline.

ARUP Laboratories, Molecular Genetics and Genomics, ARUP Laboratories
Classification: Uncertain significance for Cutis laxa, autosomal recessive, type 1B. Last evaluated: 2024-06-19. Review status: criteria provided, single submitter. Criteria: ARUP Molecular Germline Variant Investigation Process 2024. Collection method: clinical testing. Allele origin: germline.
Comment: The EFEMP2 c.728-3C>T variant (rs377139656), to our knowledge, is not reported in the medical literature but is reported in ClinVar (Variation ID: 507578). This variant is found in the general population with an overall allele frequency of 0.024% (67/282510 alleles) in the Genome Aggregation Database. This is an intronic variant in a highly conserved nucleotide, and computational analyses (Alamut v.2.11) predict conflicting effects on the nearby canonical acceptor site. While the predicted effects are minimal, without functional studies the effect on splicing is unknown. Due to limited information, the clinical significance of the c.728-3C>T variant is uncertain at this time.

Labcorp Genetics (formerly Invitae), Labcorp
Classification: Uncertain significance for Cutis laxa, autosomal recessive, type 1B. Last evaluated: 2022-08-16. Review status: criteria provided, single submitter. Criteria: Invitae Variant Classification Sherloc (09022015). Collection method: clinical testing. Allele origin: germline.
Comment: This sequence change falls in intron 7 of the EFEMP2 gene. It does not directly change the encoded amino acid sequence of the EFEMP2 protein. It affects a nucleotide within the consensus splice site. This variant is present in population databases (rs377139656, gnomAD 0.05%). This variant has not been reported in the literature in individuals affected with EFEMP2-related conditions. ClinVar contains an entry for this variant (Variation ID: 507578). Variants that disrupt the consensus splice site are a relatively common cause of aberrant splicing (PMID: 17576681, 9536098). Algorithms developed to predict the effect of sequence changes on RNA splicing suggest that this variant is not likely to affect RNA splicing. In summary, the available evidence is currently insufficient to determine the role of this variant in disease. Therefore, it has been classified as a Variant of Uncertain Significance.

GeneDx
Classification: Likely benign. Last evaluated: 2021-02-08. Review status: criteria provided, single submitter. Criteria: GeneDx Variant Classification Process June 2021. Collection method: clinical testing. Allele origin: germline. Affected: yes.

Illumina Laboratory Services, Illumina
Classification: Uncertain significance for Cutis laxa, autosomal recessive, type 1B. Last evaluated: 2018-01-13. Review status: criteria provided, single submitter. Criteria: ICSL Variant Classification Criteria 13 December 2019. Collection method: clinical testing. Allele origin: germline.

PreventionGenetics, part of Exact Sciences
Classification: Likely benign for EFEMP2-related condition. Last evaluated: 2019-05-11. Review status: no assertion criteria provided. Collection method: clinical testing. Allele origin: germline. Not counted in ClinVar's aggregate classification.
Comment: This variant is classified as likely benign based on ACMG/AMP sequence variant interpretation guidelines (Richards et al. 2015 PMID: 25741868, with internal and published modifications).

Dr. Peter K. Rogan Lab, Western University
No classification provided (evidence only). Condition: Ovarian serous cystadenocarcinoma. Review status: no classification provided. Collection method: in vitro. Allele origin: not applicable. Functional consequence: retained intron. Not counted in ClinVar's aggregate classification.

Literature cited by the submitters: PubMed 17576681 (cited by Labcorp Genetics (formerly Invitae), Labcorp); PubMed 9536098 (cited by Labcorp Genetics (formerly Invitae), Labcorp).